The following is an entry in ClinVar:

ClinVar aggregate classification (germline): Benign/Likely benign. Review status: criteria provided, multiple submitters, no conflicts (2 of 4 stars). 4 submissions from 4 submitters: Benign (2); Likely benign (1). 1 of the submissions does not count toward it. Last evaluated 2026-01-29.

Conditions:
ERCC6-related disorder. Also called: ERCC6-related condition; ERCC6-related disorders. Identifiers: MedGen CN239385.

Allele frequency attached by ClinVar (database versions not stated): ESP Exome Variant Server 0.00008; gnomAD 0.00041 and 0.00060; gnomAD exomes 0.00054 and 0.00113; TOPMed 0.00072; ExAC 0.00114; 1000 Genomes Project 30x 0.00156; 1000 Genomes Project 0.00200.
gnomAD v4.1: 900 of 1,614,176 alleles (0.056%); highest among the groups gnomAD compares: East Asian, 1.4%; 7 homozygotes.

Submissions (4):

Labcorp Genetics (formerly Invitae), Labcorp
Classification: Benign. Last evaluated: 2026-01-29. Review status: criteria provided, single submitter. Criteria: Invitae Variant Classification Sherloc (09022015). Collection method: clinical testing. Allele origin: germline.

Blueprint Genetics
Classification: Likely benign. Last evaluated: 2024-11-15. Review status: criteria provided, single submitter. Criteria: ACMG Guidelines, 2015. Collection method: clinical testing. Allele origin: germline.

CeGaT Center for Human Genetics Tuebingen
Classification: Benign. Last evaluated: 2023-02-01. Review status: criteria provided, single submitter. Criteria: CeGaT Center For Human Genetics Tuebingen Variant Classification Criteria Version 2. Collection method: clinical testing. Allele origin: germline. Affected: yes. Observed: 1 variant allele.
Comment: ERCC6: BP4, BP7, BS1, BS2

PreventionGenetics, part of Exact Sciences
Classification: Benign for ERCC6-related condition. Last evaluated: 2024-03-14. Review status: no assertion criteria provided. Collection method: clinical testing. Allele origin: germline. Not counted in ClinVar's aggregate classification.
Comment: This variant is classified as benign based on ACMG/AMP sequence variant interpretation guidelines (Richards et al. 2015 PMID: 25741868, with internal and published modifications).

NM_000124.4(ERCC6):c.3186T>C (p.Ser1062=)

Gene: ERCC6 (ERCC excision repair 6, chromatin remodeling factor; minus strand). Cytogenetic location: 10q11.23.
Variant type: single nucleotide variant.
Coding change: c.3186T>C on transcript NM_000124.4 (MANE Select); coding-DNA position 3186, T replaced by C.
Protein change: p.Ser1062=; no amino-acid change (serine 1062 retained).
Molecular consequence: synonymous variant.
Genome position (GRCh38, 1-based): chr10:49,470,774, A>G on the plus strand (T>C on the coding strand, the complement: ERCC6 is on the minus strand). VCF-style: chr10-49470774-A-G. GRCh37 (hg19) VCF-style: chr10-50678820-A-G.
Other names: c.3186T>C, p.Ser1062= (NM_001346440.2).
Identifiers: ClinVar variation 300053 (VCV000300053.42), dbSNP rs35365613, ClinGen allele CA5495394.